The following is an entry in ClinVar:

NM_054012.4(ASS1):c.1118_1123del (p.Glu373_Leu374del)

Gene: ASS1 (argininosuccinate synthase 1; plus strand). Cytogenetic location: 9q34.11.
Variant type: Deletion.
Coding change: c.1118_1123del on transcript NM_054012.4 (MANE Select); coding-DNA positions 1118 to 1123, 6 bases deleted (AGCTGG; older notation c.1118_1123delAGCTGG).
Protein change: p.Glu373_Leu374del.
Molecular consequence: inframe deletion.
Genome position (GRCh38, 1-based): chr9:130,495,014-130,495,019, AGCTGG deleted; deleting any 6 consecutive bases within chr9:130,495,012-130,495,019 gives the same sequence; the c. name uses the placement nearest the transcript's 3' end. VCF-style (leftmost placement, unchanged base first): chr9-130495011-AGGAGCT-A. GRCh37 (hg19) VCF-style: chr9-133370398-AGGAGCT-A.
Other names: c.1118_1123del, p.Glu373_Leu374del (NM_000050.4).
Identifiers: ClinVar variation 1461834 (VCV001461834.8), dbSNP rs2118880656, ClinGen allele CA2573144055.

ClinVar aggregate classification (germline): Uncertain significance (1 of 4 stars; one submission).

Conditions:
Citrullinemia. Identifiers: Orphanet 187, MedGen C0175683, MONDO:0015991.

Submission:

Labcorp Genetics (formerly Invitae), Labcorp
Classification: Uncertain significance for Citrullinemia. Last evaluated: 2021-02-22. Review status: criteria provided, single submitter. Criteria: Invitae Variant Classification Sherloc (09022015). Collection method: clinical testing. Allele origin: germline.
Comment: This variant, c.1118_1123del, results in the deletion of 2 amino acid(s) of the ASS1 protein (p.Glu373_Leu374del), but otherwise preserves the integrity of the reading frame. This variant is not present in population databases (ExAC no frequency). This variant has not been reported in the literature in individuals with ASS1-related conditions. Algorithms developed to predict the effect of sequence changes on RNA splicing suggest that this variant may create or strengthen a splice site, but this prediction has not been confirmed by published transcriptional studies. In summary, the available evidence is currently insufficient to determine the role of this variant in disease. Therefore, it has been classified as a Variant of Uncertain Significance.